The following is an entry in ClinVar:

ClinVar aggregate classification (germline): Likely benign. Review status: criteria provided, single submitter (1 of 4 stars). 2 submissions from 2 submitters: Likely benign (1). 1 of the submissions does not count toward it. Last evaluated 2025-06-15.

Conditions:
LHCGR-related disorder. Also called: LHCGR-related condition.

Allele frequency attached by ClinVar (database versions not stated): ExAC 0.00011; ESP Exome Variant Server 0.00015; gnomAD 0.00019; 1000 Genomes Project 30x 0.00109; TOPMed 0.00023; 1000 Genomes Project 0.00080.
gnomAD v4.1: 81 of 1,613,928 alleles (0.005%); highest among the groups gnomAD compares: East Asian, 0.058%; no homozygotes.

Submissions (2):

Labcorp Genetics (formerly Invitae), Labcorp
Classification: Likely benign. Last evaluated: 2025-06-15. Review status: criteria provided, single submitter. Criteria: Invitae Variant Classification Sherloc (09022015). Collection method: clinical testing. Allele origin: germline.

PreventionGenetics, part of Exact Sciences
Classification: Likely benign for LHCGR-related condition. Last evaluated: 2019-02-24. Review status: no assertion criteria provided. Collection method: clinical testing. Allele origin: germline. Not counted in ClinVar's aggregate classification.
Comment: This variant is classified as likely benign based on ACMG/AMP sequence variant interpretation guidelines (Richards et al. 2015 PMID: 25741868, with internal and published modifications).

NM_000233.4(LHCGR):c.426G>A (p.Thr142=)

Genes: LHCGR (luteinizing hormone/choriogonadotropin receptor; minus strand), STON1-GTF2A1L (STON1-GTF2A1L readthrough; plus strand). Cytogenetic location: 2p16.3.
Variant type: single nucleotide variant.
Coding change: c.426G>A on transcript NM_000233.4 (MANE Select); coding-DNA position 426, G replaced by A.
Protein change: p.Thr142=; no amino-acid change (threonine 142 retained).
Molecular consequence: synonymous variant. On other transcripts: intron variant (1).
Genome position (GRCh38, 1-based): chr2:48,723,654, C>T on the plus strand (G>A on the coding strand, the complement: LHCGR is on the minus strand). VCF-style: chr2-48723654-C-T. GRCh37 (hg19) VCF-style: chr2-48950793-C-T.
Other names: c.3441+51974C>T (NM_001198593.2).
Identifiers: ClinVar variation 3058660 (VCV003058660.4), dbSNP rs142554296, ClinGen allele CA1653325.